The following is an entry in ClinVar:

ClinVar aggregate classification (germline): Uncertain significance (1 of 4 stars; one submission).

Conditions:
Amyotrophic lateral sclerosis type 21. Also called: VOCAL CORD AND PHARYNGEAL DYSFUNCTION WITH DISTAL MYOPATHY; MYOPATHY, DISTAL, 2. Identifiers: Orphanet 600, Orphanet 803, MedGen C3807521, MONDO:0011632, OMIM 606070.

Allele frequency attached by ClinVar (database versions not stated): TOPMed below 0.00001; gnomAD 0.00001; gnomAD exomes 0.00001.
gnomAD v4.1: 11 of 1,613,974 alleles (0.00068%); highest among the groups gnomAD compares: Non-Finnish European, 0.00093%; no homozygotes.

Submission:

Labcorp Genetics (formerly Invitae), Labcorp
Classification: Uncertain significance for Amyotrophic lateral sclerosis type 21. Last evaluated: 2022-09-06. Review status: criteria provided, single submitter. Criteria: Invitae Variant Classification Sherloc (09022015). Collection method: clinical testing. Allele origin: germline.
Comment: In summary, the available evidence is currently insufficient to determine the role of this variant in disease. Therefore, it has been classified as a Variant of Uncertain Significance. Algorithms developed to predict the effect of missense changes on protein structure and function are either unavailable or do not agree on the potential impact of this missense change (SIFT: "Deleterious"; PolyPhen-2: "Benign"; Align-GVGD: "Class C0"). This variant has not been reported in the literature in individuals affected with MATR3-related conditions. This variant is not present in population databases (gnomAD no frequency). This sequence change replaces glutamic acid, which is acidic and polar, with glycine, which is neutral and non-polar, at codon 251 of the MATR3 protein (p.Glu251Gly).

NM_018834.6(MATR3):c.752A>G (p.Glu251Gly)

Gene: MATR3 (matrin 3; plus strand). Cytogenetic location: 5q31.2.
Variant type: single nucleotide variant.
Coding change: c.752A>G on transcript NM_018834.6 (MANE Select); coding-DNA position 752, A replaced by G.
Protein change: p.Glu251Gly; replaces glutamic acid 251 with glycine.
Molecular consequence: missense variant. On other transcripts: intron variant (11).
Genome position (GRCh38, 1-based): chr5:139,308,167, A>G. VCF-style: chr5-139308167-A-G. GRCh37 (hg19) VCF-style: chr5-138643856-A-G.
Other names: c.752A>G, p.Glu251Gly (NM_001194954.2, NM_001194955.2, NM_001400441.1 and 16 more transcripts); c.52-6508A>G (NM_001400459.1); c.-102-6508A>G (NM_001400463.1, NM_001400460.1, NM_001282278.2 and 3 more transcripts); c.-40-7530A>G (NM_001400462.1, NM_001400467.1); c.13-6508A>G (NM_001400461.1); c.49-6508A>G (NM_001194956.2); short protein forms E251G.
Identifiers: ClinVar variation 1908489 (VCV001908489.5), dbSNP rs1223486512, ClinGen allele CA361487995.